The following is an entry in ClinVar:

ClinVar aggregate classification (germline): Uncertain significance (1 of 4 stars; one submission).

Submission:

Ambry Genetics
Classification: Uncertain significance. Last evaluated: 2023-09-28. Review status: criteria provided, single submitter. Criteria: Ambry Variant Classification Scheme 2023. Collection method: clinical testing. Allele origin: germline.
Comment: The p.A161D variant (also known as c.482C>A), located in coding exon 3 of the ALPK2 gene, results from a C to A substitution at nucleotide position 482. The alanine at codon 161 is replaced by aspartic acid, an amino acid with dissimilar properties. This amino acid position is conserved. In addition, this alteration is predicted to be tolerated by in silico analysis. Since supporting evidence is limited at this time, the clinical significance of this alteration remains unclear.

NM_052947.4(ALPK2):c.482C>A (p.Ala161Asp)

Gene: ALPK2 (alpha kinase 2; minus strand). Cytogenetic location: 18q21.31.
Variant type: single nucleotide variant.
Coding change: c.482C>A on transcript NM_052947.4 (MANE Select); coding-DNA position 482, C replaced by A.
Protein change: p.Ala161Asp; replaces alanine 161 with aspartic acid.
Molecular consequence: missense variant.
Genome position (GRCh38, 1-based): chr18:58,580,294, G>T on the plus strand (C>A on the coding strand, the complement: ALPK2 is on the minus strand). VCF-style: chr18-58580294-G-T. GRCh37 (hg19) VCF-style: chr18-56247526-G-T.
Other names: short protein forms A161D.
Identifiers: ClinVar variation 3228772 (VCV003228772.1), dbSNP rs1338637393, ClinGen allele CA402567875.